The following is an entry in ClinVar:

NM_001276270.2(MBD4):c.1721C>T (p.Ser574Phe)

Gene: MBD4 (methyl-CpG binding domain 4, DNA glycosylase; minus strand). Cytogenetic location: 3q21.3.
Variant type: single nucleotide variant.
Coding change: c.1721C>T on transcript NM_001276270.2 (MANE Select); coding-DNA position 1721, C replaced by T.
Protein change: p.Ser574Phe; replaces serine 574 with phenylalanine.
Molecular consequence: missense variant. On other transcripts: 3 prime UTR variant (1).
Genome position (GRCh38, 1-based): chr3:129,431,505, G>A on the plus strand (C>T on the coding strand, the complement: MBD4 is on the minus strand). VCF-style: chr3-129431505-G-A. GRCh37 (hg19) VCF-style: chr3-129150348-G-A.
Other names: c.*63C>T (NM_001276272.2); c.785C>T, p.Ser262Phe (NM_001276273.2); c.1739C>T, p.Ser580Phe (NM_003925.3); short protein forms S262F, S574F, S580F.
Identifiers: ClinVar variation 3870899 (VCV003870899.1).

ClinVar aggregate classification (germline): Uncertain significance (1 of 4 stars; one submission).

Conditions:
Inborn genetic diseases. Identifiers: MedGen C0950123, MeSH D030342.

gnomAD v4.1: 2 of 1,612,562 alleles (0.00012%); highest among the groups gnomAD compares: African/African-American, 0.0027%; no homozygotes.

Submission:

Ambry Genetics
Classification: Uncertain significance for Inborn genetic diseases. Last evaluated: 2025-01-14. Review status: criteria provided, single submitter. Criteria: Ambry Variant Classification Scheme 2023. Collection method: clinical testing. Allele origin: germline.
Comment: The p.S574F variant (also known as c.1721C>T), located in coding exon 8 of the MBD4 gene, results from a C to T substitution at nucleotide position 1721. The serine at codon 574 is replaced by phenylalanine, an amino acid with highly dissimilar properties. This amino acid position is conserved. In addition, the in silico prediction for this alteration is inconclusive. Based on the available evidence, the clinical significance of this variant remains unclear.